The following is an entry in ClinVar:

NM_000152.5(GAA):c.199del (p.Asp67fs)

Gene: GAA (alpha glucosidase; plus strand). Cytogenetic location: 17q25.3.
Variant type: Deletion.
Coding change: c.199del on transcript NM_000152.5 (MANE Select); coding-DNA position 199, one base deleted (G; older notation c.199delG).
Protein change: p.Asp67fs; shifts the reading frame from aspartic acid 67.
Molecular consequence: frameshift variant.
Genome position (GRCh38, 1-based): chr17:80,104,785, G deleted; the last of 3 consecutive G bases (chr17:80,104,783-80,104,785); deleting any one gives the same sequence. VCF-style (leftmost placement, unchanged base first): chr17-80104782-CG-C. GRCh37 (hg19) VCF-style: chr17-78078581-CG-C.
Other names: c.199del, p.Asp67fs (NM_001079803.3, NM_001079804.3); short protein forms D67fs.
Identifiers: ClinVar variation 1074160 (VCV001074160.8), dbSNP rs2143825870, ClinGen allele CA2499224997.

ClinVar aggregate classification (germline): Pathogenic (1 of 4 stars; one submission).

Conditions:
Glycogen storage disease, type II (IOPD). Also called: POMPE DISEASE, INFANTILE-ONSET; GLYCOGEN STORAGE DISEASE II, INFANTILE-ONSET; ACID ALPHA-GLUCOSIDASE DEFICIENCY, INFANTILE-ONSET; GAA DEFICIENCY, INFANTILE-ONSET; ACID MALTASE DEFICIENCY, INFANTILE-ONSET; Glucosidase acid-1,4-alpha deficiency. Identifiers: Orphanet 365, MedGen C0017921, MONDO:0009290, OMIM 232300.

Submission:

Labcorp Genetics (formerly Invitae), Labcorp
Classification: Pathogenic for Glycogen storage disease, type II. Last evaluated: 2020-01-21. Review status: criteria provided, single submitter. Criteria: Invitae Variant Classification Sherloc (09022015). Collection method: clinical testing. Allele origin: germline.
Comment: For these reasons, this variant has been classified as Pathogenic. Loss-of-function variants in GAA are known to be pathogenic (PMID: 18425781, 22252923). This variant has not been reported in the literature in individuals with GAA-related conditions. This variant is not present in population databases (ExAC no frequency). This sequence change creates a premature translational stop signal (p.Asp67Metfs*75) in the GAA gene. It is expected to result in an absent or disrupted protein product.

Literature cited by the submitters: PubMed 18425781; PubMed 22252923.